The following is an entry in ClinVar:

NM_002907.4(RECQL):c.213del (p.Asp72fs)

Gene: RECQL (RecQ like helicase; minus strand). Cytogenetic location: 12p12.1.
Variant type: Deletion.
Coding change: c.213del on transcript NM_002907.4 (MANE Select); coding-DNA position 213, one base deleted (A; older notation c.213delA).
Protein change: p.Asp72fs; shifts the reading frame from aspartic acid 72.
Molecular consequence: frameshift variant.
Genome position (GRCh38, 1-based): chr12:21,491,520, T deleted on the plus strand (A on the coding strand, the reverse complement: RECQL is on the minus strand); the first of 2 consecutive T bases (chr12:21,491,520-21,491,521); deleting either gives the same sequence. VCF-style (leftmost placement, unchanged base first): chr12-21491519-CT-C. GRCh37 (hg19) VCF-style: chr12-21644453-CT-C.
Other names: c.213del, p.Asp72fs (NM_032941.3); short protein forms D72fs.
Identifiers: ClinVar variation 2748160 (VCV002748160.3), dbSNP rs2540404282, ClinGen allele CA2697559139.

ClinVar aggregate classification (germline): Uncertain significance (1 of 4 stars; one submission).

Submission:

Labcorp Genetics (formerly Invitae), Labcorp
Classification: Uncertain significance. Last evaluated: 2023-07-29. Review status: criteria provided, single submitter. Criteria: Invitae Variant Classification Sherloc (09022015). Collection method: clinical testing. Allele origin: germline.
Comment: In summary, the available evidence is currently insufficient to determine the role of this variant in disease. Therefore, it has been classified as a Variant of Uncertain Significance. This variant has not been reported in the literature in individuals affected with RECQL-related conditions. This variant is not present in population databases (gnomAD no frequency). This sequence change creates a premature translational stop signal (p.Asp72Ilefs*31) in the RECQL gene. It is expected to result in an absent or disrupted protein product. However, the current clinical and genetic evidence is not sufficient to establish whether loss-of-function variants in RECQL cause disease.